The following is an entry in ClinVar:

NM_001556.3(IKBKB):c.2185G>C (p.Glu729Gln)

Gene: IKBKB (inhibitor of nuclear factor kappa B kinase subunit beta; plus strand). Cytogenetic location: 8p11.21.
Variant type: single nucleotide variant.
Coding change: c.2185G>C on transcript NM_001556.3 (MANE Select); coding-DNA position 2185, G replaced by C.
Protein change: p.Glu729Gln; replaces glutamic acid 729 with glutamine.
Molecular consequence: missense variant. On other transcripts: non-coding transcript variant (3).
Genome position (GRCh38, 1-based): chr8:42,329,194, G>C. VCF-style: chr8-42329194-G-C. GRCh37 (hg19) VCF-style: chr8-42186712-G-C.
Other names: c.1993G>C, p.Glu665Gln (NM_001190720.3); c.2008G>C, p.Glu670Gln (NM_001242778.2); short protein forms E670Q, E729Q, E665Q.
Identifiers: ClinVar variation 2380673 (VCV002380673.4), dbSNP rs200867144, ClinGen allele CA4732210.
Genomic context (GRCh38, chr8:42,329,194, plus strand): 5'-GTGGCTGAAGCACATAACCTCTGCACCCTGCTAGAAAATGCCATACAGGACACTGTGAGG[G>C]AACAAGACCAGAGTTTCACGGTAACAGCTTGTGTGAGACTCCTGCGATTCCATGTCCTTT-3'
Protein context (NP_001547.1, residues 719-739): LENAIQDTVR[Glu729Gln]QDQSFTALDW

ClinVar aggregate classification (germline): Uncertain significance. Review status: criteria provided, multiple submitters, no conflicts (2 of 4 stars). 2 submissions from 2 submitters: Uncertain significance (2). Last evaluated 2024-07-15.

Conditions:
Inborn genetic diseases. Identifiers: MedGen C0950123, MeSH D030342.
Severe combined immunodeficiency due to IKK2 deficiency. Also called: Immunodeficiency 15; IMMUNODEFICIENCY 15B. Identifiers: Orphanet 397787, MedGen C4747743, MONDO:0014267, OMIM 615592.

Allele frequency attached by ClinVar (database versions not stated): ExAC 0.00003; gnomAD 0.00008; TOPMed 0.00009.
gnomAD v4.1: 24 of 1,595,272 alleles (0.0015%); highest among the groups gnomAD compares: Middle Eastern, 0.033%; no homozygotes.

Submissions (2):

Labcorp Genetics (formerly Invitae), Labcorp
Classification: Uncertain significance for Severe combined immunodeficiency due to IKK2 deficiency. Last evaluated: 2024-07-15. Review status: criteria provided, single submitter. Criteria: Invitae Variant Classification Sherloc (09022015). Collection method: clinical testing. Allele origin: germline.
Comment: This sequence change replaces glutamic acid, which is acidic and polar, with glutamine, which is neutral and polar, at codon 729 of the IKBKB protein (p.Glu729Gln). This variant is present in population databases (rs200867144, gnomAD 0.04%). This variant has not been reported in the literature in individuals affected with IKBKB-related conditions. ClinVar contains an entry for this variant (Variation ID: 2380673). Advanced modeling of protein sequence and biophysical properties (such as structural, functional, and spatial information, amino acid conservation, physicochemical variation, residue mobility, and thermodynamic stability) performed at Invitae indicates that this missense variant is not expected to disrupt IKBKB protein function with a negative predictive value of 95%. In summary, the available evidence is currently insufficient to determine the role of this variant in disease. Therefore, it has been classified as a Variant of Uncertain Significance.

Ambry Genetics
Classification: Uncertain significance for Inborn genetic diseases. Last evaluated: 2021-09-14. Review status: criteria provided, single submitter. Criteria: Ambry Variant Classification Scheme 2023. Collection method: clinical testing. Allele origin: germline.